The following is an entry in ClinVar:

ClinVar aggregate classification (germline): Uncertain significance (1 of 4 stars; one submission).

Submission:

Labcorp Genetics (formerly Invitae), Labcorp
Classification: Uncertain significance. Last evaluated: 2022-06-08. Review status: criteria provided, single submitter. Criteria: Invitae Variant Classification Sherloc (09022015). Collection method: clinical testing. Allele origin: germline.
Comment: In summary, the available evidence is currently insufficient to determine the role of this variant in disease. Therefore, it has been classified as a Variant of Uncertain Significance. Experimental studies and prediction algorithms are not available or were not evaluated, and the functional significance of this variant is currently unknown. This variant has not been reported in the literature in individuals affected with BCAP31-related conditions. This variant is not present in population databases (gnomAD no frequency). This sequence change results in a frameshift in the BCAP31 gene (p.Met241Hisfs*28). While this is not anticipated to result in nonsense mediated decay, it is expected to disrupt the last 6 amino acid(s) of the BCAP31 protein and extend the protein by 21 additional amino acid residues.

NM_001256447.2(BCAP31):c.720dup (p.Met241fs)

Gene: BCAP31 (B cell receptor associated protein 31; minus strand). Cytogenetic location: Xq28.
Variant type: Duplication.
Coding change: c.720dup on transcript NM_001256447.2 (MANE Select); coding-DNA position 720, one base duplicated (C; older notation c.720dupC).
Protein change: p.Met241fs; shifts the reading frame from methionine 241.
Molecular consequence: frameshift variant.
Genome position (GRCh38, 1-based): chrX:153,700,958, G duplicated on the plus strand (C on the coding strand, the reverse complement: BCAP31 is on the minus strand); the first of 3 consecutive G bases (chrX:153,700,958-153,700,960); duplicating any one gives the same sequence. VCF-style (leftmost placement, unchanged base first): chrX-153700957-T-TG. GRCh37 (hg19) VCF-style: chrX-152966412-T-TG.
Other names: c.720dup, p.Met241fs (NM_001139441.1, NM_005745.8); c.921dup, p.Met308fs (NM_001139457.2); short protein forms M308fs, M241fs.
Identifiers: ClinVar variation 2003212 (VCV002003212.4), dbSNP rs2522184888, ClinGen allele CA2580101664.
Genomic context (GRCh38, chrX:153,700,957, plus strand): 5'-CAGGTGGAAGCCAGCTGCAGGCAGGGGAGGAAGGAGGCCCTTACTCTTCCTTCTTGTCCA[T>TG]GGGACCATCTACTGCAGCCTGGAAAGGGACAGAAATCCCACAGCAGTAGGTTGGCCGGGT-3'